The following is an entry in ClinVar:

ClinVar aggregate classification (germline): Likely pathogenic (1 of 4 stars; one submission).

Conditions:
Pierson syndrome. Also called: MICROCORIA-CONGENITAL NEPHROTIC SYNDROME. Identifiers: Orphanet 2670, MedGen C1836876, MONDO:0012184, OMIM 609049.
LAMB2-related infantile-onset nephrotic syndrome. Also called: NEPHROTIC SYNDROME, TYPE 5, WITHOUT OCULAR ABNORMALITIES; NEPHROTIC SYNDROME, TYPE 5, WITH OCULAR ABNORMALITIES; Nephrotic Syndrome, type 5. Identifiers: Orphanet 306507, MedGen C3280113, MONDO:0013621, OMIM 614199.

Submission:

Juno Genomics, Hangzhou Juno Genomics, Inc
Classification: Likely pathogenic for LAMB2-related infantile-onset nephrotic syndrome; Pierson syndrome. Review status: criteria provided, single submitter. Criteria: ACMG Guidelines, 2015. Collection method: clinical testing. Allele origin: germline. Affected: yes.
Comment: Absent from controls (or at extremely low frequency if recessive) in Genome Aggregation Database, Exome Sequencing Project, 1000 Genomes Project, or Exome Aggregation Consortium.;Multiple lines of computational evidence support a deleterious effect on the gene or gene product (conservation, evolutionary, splicing impact, etc).;For recessive disorders, detected in trans with a pathogenic variant.;Patient's phenotype or family history is highly specific for a disease with a single genetic etiology.

NM_002292.4(LAMB2):c.1165T>G (p.Cys389Gly)

Gene: LAMB2 (laminin subunit beta 2; minus strand). Cytogenetic location: 3p21.31.
Variant type: single nucleotide variant.
Coding change: c.1165T>G on transcript NM_002292.4 (MANE Select); coding-DNA position 1165, T replaced by G.
Protein change: p.Cys389Gly; replaces cysteine 389 with glycine.
Molecular consequence: missense variant.
Genome position (GRCh38, 1-based): chr3:49,130,291, A>C on the plus strand (T>G on the coding strand, the complement: LAMB2 is on the minus strand). VCF-style: chr3-49130291-A-C. GRCh37 (hg19) VCF-style: chr3-49167724-A-C.
Other names: short protein forms C389G.
Identifiers: ClinVar variation 3764679 (VCV003764679.2).
Genomic context (GRCh38, chr3:49,130,291, plus strand): 5'-AGCGGCACACAGCCGGATCCCGCAGGTCCTTGGTTGGGTCACGGTAGAAGAAGGGCCGAC[A>C]GAGCTCACAGTGGCGCCCAGCTGTGTTATGCTGACATCCATCACACACACCTCCACTCAC-3'
Protein context (NP_002283.3, residues 379-399): HNTAGRHCEL[Cys389Gly]RPFFYRDPTK